The following is an entry in ClinVar:

ClinVar aggregate classification (germline): Uncertain significance (1 of 4 stars; one submission).

Submission:

Labcorp Genetics (formerly Invitae), Labcorp
Classification: Uncertain significance. Last evaluated: 2022-11-22. Review status: criteria provided, single submitter. Criteria: Invitae Variant Classification Sherloc (09022015). Collection method: clinical testing. Allele origin: germline.
Comment: In summary, the available evidence is currently insufficient to determine the role of this variant in disease. Therefore, it has been classified as a Variant of Uncertain Significance. Advanced modeling of protein sequence and biophysical properties (such as structural, functional, and spatial information, amino acid conservation, physicochemical variation, residue mobility, and thermodynamic stability) has been performed at Invitae for this missense variant, however the output from this modeling did not meet the statistical confidence thresholds required to predict the impact of this variant on COL27A1 protein function. This variant has not been reported in the literature in individuals affected with COL27A1-related conditions. This variant is not present in population databases (gnomAD no frequency). This sequence change replaces proline, which is neutral and non-polar, with threonine, which is neutral and polar, at codon 1614 of the COL27A1 protein (p.Pro1614Thr).

NM_032888.4(COL27A1):c.4840C>A (p.Pro1614Thr)

Gene: COL27A1 (collagen type XXVII alpha 1 chain; plus strand). Cytogenetic location: 9q32.
Variant type: single nucleotide variant.
Coding change: c.4840C>A on transcript NM_032888.4 (MANE Select); coding-DNA position 4840, C replaced by A.
Protein change: p.Pro1614Thr; replaces proline 1614 with threonine.
Molecular consequence: missense variant.
Genome position (GRCh38, 1-based): chr9:114,301,712, C>A. VCF-style: chr9-114301712-C-A. GRCh37 (hg19) VCF-style: chr9-117063992-C-A.
Other names: short protein forms P1614T.
Identifiers: ClinVar variation 2161222 (VCV002161222.4), dbSNP rs1342376386, ClinGen allele CA374594174.